The following is an entry in ClinVar:

ClinVar aggregate classification (germline): Uncertain significance (1 of 4 stars; one submission).

Conditions:
Familial adenomatous polyposis 1 (FAP1). Also called: FAMILIAL ADENOMATOUS POLYPOSIS 1, ATTENUATED; POLYPOSIS, ADENOMATOUS INTESTINAL. Identifiers: MedGen C2713442, MONDO:0021056, OMIM 175100. Disease mechanism: loss of function.

Submission:

Labcorp Genetics (formerly Invitae), Labcorp
Classification: Uncertain significance for Familial adenomatous polyposis 1. Last evaluated: 2025-12-17. Review status: criteria provided, single submitter. Criteria: Invitae Variant Classification Sherloc (09022015). Collection method: clinical testing. Allele origin: germline.
Comment: This sequence change replaces proline, which is neutral and non-polar, with threonine, which is neutral and polar, at codon 1772 of the APC protein (p.Pro1772Thr). This variant is not present in population databases (gnomAD no frequency). This variant has not been reported in the literature in individuals affected with APC-related conditions. Invitae Evidence Modeling of protein sequence and biophysical properties (such as structural, functional, and spatial information, amino acid conservation, physicochemical variation, residue mobility, and thermodynamic stability) indicates that this missense variant is not expected to disrupt APC protein function with a negative predictive value of 95%. In summary, the available evidence is currently insufficient to determine the role of this variant in disease. Therefore, it has been classified as a Variant of Uncertain Significance.

NM_000038.6(APC):c.5314C>A (p.Pro1772Thr)

Gene: APC (APC regulator of Wnt signaling pathway; plus strand). Cytogenetic location: 5q22.2.
Variant type: single nucleotide variant.
Coding change: c.5314C>A on transcript NM_000038.6 (MANE Select); coding-DNA position 5314, C replaced by A.
Protein change: p.Pro1772Thr; replaces proline 1772 with threonine.
Molecular consequence: missense variant. On other transcripts: non-coding transcript variant (2).
Genome position (GRCh38, 1-based): chr5:112,840,908, C>A. VCF-style: chr5-112840908-C-A. GRCh37 (hg19) VCF-style: chr5-112176605-C-A.
Other names: c.5314C>A, p.Pro1772Thr (NM_001127510.3, NM_001354895.2, NM_001407450.1); c.5260C>A, p.Pro1754Thr (NM_001127511.3); c.5368C>A, p.Pro1790Thr (NM_001354896.2, NM_001407447.1, NM_001407448.1 and 1 more transcripts); c.5344C>A, p.Pro1782Thr (NM_001354897.2); c.5239C>A, p.Pro1747Thr (NM_001354898.2); c.5230C>A, p.Pro1744Thr (NM_001354899.2); c.5191C>A, p.Pro1731Thr (NM_001354900.2); c.5137C>A, p.Pro1713Thr (NM_001354901.2, NM_001407453.1); and 11 more; short protein forms P1388T, P1489T, P1612T, P1643T, P1646T, P1671T, P1681T, P1689T.
Identifiers: ClinVar variation 4801494 (VCV004801494.1).
Genomic context (GRCh38, chr5:112,840,908, plus strand): 5'-CAAGCATCTGCGTCTTCTTCTGCACCCAACAAAAATCAGTTAGATGGTAAGAAAAAGAAA[C>A]CAACTTCACCAGTAAAACCTATACCACAAAATACTGAATATAGGACACGTGTAAGAAAAA-3'
Protein context (NP_000029.2, residues 1762-1782): KNQLDGKKKK[Pro1772Thr]TSPVKPIPQN